The following is an entry in ClinVar:

NM_000135.4(FANCA):c.1025T>G (p.Met342Arg)

Gene: FANCA (FA complementation group A; minus strand). Cytogenetic location: 16q24.3.
Variant type: single nucleotide variant.
Coding change: c.1025T>G on transcript NM_000135.4 (MANE Select); coding-DNA position 1025, T replaced by G.
Protein change: p.Met342Arg; replaces methionine 342 with arginine.
Molecular consequence: missense variant.
Genome position (GRCh38, 1-based): chr16:89,792,529, A>C on the plus strand (T>G on the coding strand, the complement: FANCA is on the minus strand). VCF-style: chr16-89792529-A-C. GRCh37 (hg19) VCF-style: chr16-89858937-A-C.
Other names: c.1025T>G, p.Met342Arg (NM_001286167.3); short protein forms M342R.
Identifiers: ClinVar variation 4619246 (VCV004619246.1).

ClinVar aggregate classification (germline): Uncertain significance (1 of 4 stars; one submission).

Conditions:
Inborn genetic diseases. Identifiers: MedGen C0950123, MeSH D030342.

Submission:

Ambry Genetics
Classification: Uncertain significance for Inborn genetic diseases. Last evaluated: 2025-11-04. Review status: criteria provided, single submitter. Criteria: Ambry Variant Classification Scheme 2023. Collection method: clinical testing. Allele origin: germline.
Comment: The p.M342R variant (also known as c.1025T>G), located in coding exon 12 of the FANCA gene, results from a T to G substitution at nucleotide position 1025. The methionine at codon 342 is replaced by arginine, an amino acid with similar properties. This amino acid position is conserved. In addition, the in silico prediction for this alteration is inconclusive. Based on the available evidence, the clinical significance of this variant remains unclear.